The following is an entry in ClinVar:

ClinVar aggregate classification (germline): Benign (1 of 4 stars; one submission).

Conditions:
Lynch syndrome 4 (LYNCH4). Also called: Colorectal cancer, hereditary nonpolyposis, type 4; Hereditary non-polyposis colorectal cancer, type 4. Identifiers: Orphanet 144, MedGen C1838333, MONDO:0013699, OMIM 614337. Disease mechanism: loss of function.

Submission:

Myriad Genetics, Inc.
Classification: Benign for Lynch syndrome 4. Last evaluated: 2025-01-28. Review status: criteria provided, single submitter. Criteria: Myriad Autosomal Dominant, Autosomal Recessive and X-Linked Classification Criteria (2023). Collection method: clinical testing. Allele origin: unknown.
Comment: This variant is considered benign. This variant is a silent/synonymous amino acid change and it is not expected to impact splicing.

NM_000535.7(PMS2):c.807C>A (p.Ile269=)

Gene: PMS2 (PMS1 homolog 2, mismatch repair system component; minus strand). Cytogenetic location: 7p22.1.
Variant type: single nucleotide variant.
Coding change: c.807C>A on transcript NM_000535.7 (MANE Select); coding-DNA position 807, C replaced by A.
Protein change: p.Ile269=; no amino-acid change (isoleucine 269 retained).
Molecular consequence: synonymous variant. On other transcripts: 5 prime UTR variant (2), non-coding transcript variant (1), intron variant (4).
Genome position (GRCh38, 1-based): chr7:5,995,630, G>T on the plus strand (C>A on the coding strand, the complement: PMS2 is on the minus strand). VCF-style: chr7-5995630-G-T. GRCh37 (hg19) VCF-style: chr7-6035261-G-T.
Other names: c.402C>A, p.Ile134= (NM_001322003.2, NM_001322004.2, NM_001322005.2 and 19 more transcripts); c.807C>A, p.Ile269= (NM_001322006.2, NM_001322014.2, NM_001406870.1 and 2 more transcripts); c.489C>A, p.Ile163= (NM_001322007.2, NM_001322008.2, NM_001406876.1 and 4 more transcripts); c.-127C>A (NM_001322011.2, NM_001322012.2); c.234C>A, p.Ile78= (NM_001322013.2, NM_001406909.1); c.498C>A, p.Ile166= (NM_001322015.2, NM_001406875.1, NM_001406877.1 and 6 more transcripts); c.993C>A, p.Ile331= (NM_001406866.1); c.831C>A, p.Ile277= (NM_001406868.1); and 8 more.
Identifiers: ClinVar variation 3903949 (VCV003903949.1).
Genomic context (GRCh38, chr7:5,995,630, plus strand): 5'-AAACTGTCTGTCTGTTGAACTCCTTCCAACTCCATGCGTGCATTGTGAAATGAAACCTGA[G>T]ATGCTATTCAACATTAATATGGTAAGGGCAGGATTCCAGAGTGAAAGGGATTAGAAATAC-3'
Protein context (NP_000526.2, residues 259-279): CSDALHNLFY[Ile269=]SGFISQCTHG